The following is an entry in ClinVar:

ClinVar aggregate classification (germline): Uncertain significance (1 of 4 stars; one submission).

Conditions:
Hereditary breast ovarian cancer syndrome. Also called: Hereditary breast and/or ovarian cancer syndrome; BRCA1- and BRCA2-Associated Hereditary Breast and Ovarian Cancer; Hereditary breast and ovarian cancer syndrome; Hereditary breast and ovarian cancer; Hereditary breast and ovarian cancer syndrome (HBOC); Breast and ovarian cancer. Identifiers: Orphanet 145, MedGen C0677776, MeSH D061325, MONDO:0003582. Disease mechanism: loss of function.

Submissions (2):

Labcorp Genetics (formerly Invitae), Labcorp
Classification: Uncertain significance for Hereditary breast ovarian cancer syndrome. Last evaluated: 2019-12-11. Review status: criteria provided, single submitter. Criteria: Invitae Variant Classification Sherloc (09022015). Collection method: clinical testing. Allele origin: germline.
Comment: In summary, the available evidence is currently insufficient to determine the role of this variant in disease. Therefore, it has been classified as a Variant of Uncertain Significance. This variant has been reported not to substantially affect BRCA1 protein function (PMID: 30209399). This variant has not been reported in the literature in individuals with BRCA1-related conditions. This variant is not present in population databases (ExAC no frequency). This sequence change replaces aspartic acid with alanine at codon 1840 of the BRCA1 protein (p.Asp1840Ala). The aspartic acid residue is highly conserved and there is a moderate physicochemical difference between aspartic acid and alanine.

Brotman Baty Institute, University of Washington
No classification provided (evidence only). Condition: Breast-ovarian cancer, familial 1. Review status: no classification provided. Collection method: in vitro. Allele origin: not applicable. Functional consequence: functionally_normal. Not counted in ClinVar's aggregate classification.
ClinVar note: "not provided" was previously submitted as the classification for the variant. However, the classification appeared to be based only on an observation of functional data so it was converted to no classification on 2025-07-30.

Literature cited by the submitters: PubMed 30209399 (cited by Labcorp Genetics (formerly Invitae), Labcorp).

NM_007294.4(BRCA1):c.5519A>C (p.Asp1840Ala)

Gene: BRCA1 (BRCA1 DNA repair associated; minus strand). Cytogenetic location: 17q21.31.
Variant type: single nucleotide variant.
Coding change: c.5519A>C on transcript NM_007294.4 (MANE Select); coding-DNA position 5519, A replaced by C.
Protein change: p.Asp1840Ala; replaces aspartic acid 1840 with alanine.
Molecular consequence: missense variant. On other transcripts: 3 prime UTR variant (1), non-coding transcript variant (1).
Genome position (GRCh38, 1-based): chr17:43,045,751, T>G on the plus strand (A>C on the coding strand, the complement: BRCA1 is on the minus strand). VCF-style: chr17-43045751-T-G. GRCh37 (hg19) VCF-style: chr17-41197768-T-G.
Other names: c.5306A>C, p.Asp1769Ala (NM_001407571.1, NM_001407894.1, NM_001407895.1 and 12 more transcripts); c.5585A>C, p.Asp1862Ala (NM_001407581.1, NM_001407582.1); c.5582A>C, p.Asp1861Ala (NM_001407583.1, NM_001407585.1, NM_001407587.1 and 1 more transcripts); c.5579A>C, p.Asp1860Ala (NM_001407590.1, NM_001407591.1); c.5519A>C, p.Asp1840Ala (NM_001407593.1, NM_001407594.1, NM_001407596.1 and 5 more transcripts); c.5516A>C, p.Asp1839Ala (NM_001407610.1, NM_001407611.1, NM_001407612.1 and 14 more transcripts); c.5513A>C, p.Asp1838Ala (NM_001407627.1, NM_001407628.1, NM_001407629.1 and 13 more transcripts); c.5510A>C, p.Asp1837Ala (NM_001407645.1, NM_001407644.1); and 74 more; short protein forms D736A, D1793A, D1840A, D1861A, D1543A, D1712A, D1727A, D1750A.
Identifiers: ClinVar variation 861117 (VCV000861117.13), dbSNP rs2050874260, ClinGen allele CA10590282.